The following is an entry in ClinVar:

ClinVar aggregate classification (germline): Uncertain significance (1 of 4 stars; one submission).

Conditions:
Tuberous sclerosis 1 (TSC1). Identifiers: Orphanet 805, MedGen C1854465, MONDO:0008612, OMIM 191100.

Submission:

Labcorp Genetics (formerly Invitae), Labcorp
Classification: Uncertain significance for Tuberous sclerosis 1. Last evaluated: 2024-10-07. Review status: criteria provided, single submitter. Criteria: Invitae Variant Classification Sherloc (09022015). Collection method: clinical testing. Allele origin: germline.
Comment: This sequence change replaces lysine, which is basic and polar, with methionine, which is neutral and non-polar, at codon 834 of the TSC1 protein (p.Lys834Met). This variant is not present in population databases (gnomAD no frequency). This variant has not been reported in the literature in individuals affected with TSC1-related conditions. Invitae Evidence Modeling of protein sequence and biophysical properties (such as structural, functional, and spatial information, amino acid conservation, physicochemical variation, residue mobility, and thermodynamic stability) indicates that this missense variant is not expected to disrupt TSC1 protein function with a negative predictive value of 95%. Algorithms developed to predict the effect of sequence changes on RNA splicing suggest that this variant may disrupt the consensus splice site. In summary, the available evidence is currently insufficient to determine the role of this variant in disease. Therefore, it has been classified as a Variant of Uncertain Significance.

NM_000368.5(TSC1):c.2501A>T (p.Lys834Met)

Gene: TSC1 (TSC complex subunit 1; minus strand). Cytogenetic location: 9q34.13.
Variant type: single nucleotide variant.
Coding change: c.2501A>T on transcript NM_000368.5 (MANE Select); coding-DNA position 2501, A replaced by T.
Protein change: p.Lys834Met; replaces lysine 834 with methionine.
Molecular consequence: missense variant. On other transcripts: non-coding transcript variant (5), intron variant (8).
Genome position (GRCh38, 1-based): chr9:132,901,590, T>A on the plus strand (A>T on the coding strand, the complement: TSC1 is on the minus strand). VCF-style: chr9-132901590-T-A. GRCh37 (hg19) VCF-style: chr9-135776977-T-A.
Other names: c.2498A>T, p.Lys833Met (NM_001406599.1, NM_001406600.1, NM_001162426.2 and 2 more transcripts); c.2486A>T, p.Lys829Met (NM_001406601.1, NM_001406602.1); c.2483A>T, p.Lys828Met (NM_001406603.1, NM_001406604.1); c.2345A>T, p.Lys782Met (NM_001406612.1, NM_001406611.1); c.2138A>T, p.Lys713Met (NM_001406614.1, NM_001362177.2, NM_001406615.1 and 4 more transcripts); c.1550A>T, p.Lys517Met (NM_001406626.1); c.1547A>T, p.Lys516Met (NM_001406627.1, NM_001406628.1); c.1448A>T, p.Lys483Met (NM_001406629.1, NM_001406630.1); and 8 more; short protein forms K483M, K713M, K712M, K828M, K516M, K782M, K783M, K517M.
Identifiers: ClinVar variation 3720846 (VCV003720846.2).